The following is an entry in ClinVar:

ClinVar aggregate classification (germline): Uncertain significance (1 of 4 stars; one submission).

gnomAD v4.1: 3 of 1,608,426 alleles (0.00019%); highest among the groups gnomAD compares: African/African-American, 0.004%; no homozygotes.

Submission:

Labcorp Genetics (formerly Invitae), Labcorp
Classification: Uncertain significance. Last evaluated: 2021-08-05. Review status: criteria provided, single submitter. Criteria: Invitae Variant Classification Sherloc (09022015). Collection method: clinical testing. Allele origin: germline.
Comment: This sequence change replaces isoleucine with valine at codon 172 of the ADSSL1 protein (p.Ile172Val). This variant is not present in population databases (ExAC no frequency). This variant has not been reported in the literature in individuals affected with ADSSL1-related conditions. Algorithms developed to predict the effect of missense changes on protein structure and function output the following: SIFT: "Not Available"; PolyPhen-2: "Benign"; Align-GVGD: "Not Available". The valine amino acid residue is found in multiple mammalian species, which suggests that this missense change does not adversely affect protein function. In summary, the available evidence is currently insufficient to determine the role of this variant in disease. Therefore, it has been classified as a Variant of Uncertain Significance.

NM_152328.5(ADSS1):c.385A>G (p.Ile129Val)

Gene: ADSS1 (adenylosuccinate synthase 1; plus strand). Cytogenetic location: 14q32.33.
Variant type: single nucleotide variant.
Coding change: c.385A>G on transcript NM_152328.5 (MANE Select); coding-DNA position 385, A replaced by G.
Protein change: p.Ile129Val; replaces isoleucine 129 with valine.
Molecular consequence: missense variant. On other transcripts: 5 prime UTR variant (1).
Genome position (GRCh38, 1-based): chr14:104,739,354, A>G. VCF-style: chr14-104739354-A-G. GRCh37 (hg19) VCF-style: chr14-105205691-A-G.
Other names: c.-214A>G (NM_001320424.1); c.514A>G, p.Ile172Val (NM_199165.2); short protein forms I129V, I172V.
Identifiers: ClinVar variation 1681919 (VCV001681919.4), dbSNP rs533921869, ClinGen allele CA267336376.
Genomic context (GRCh38, chr14:104,739,354, plus strand): 5'-AACACTGACCCACCTGTGTGCCGTGTCCCCGCAGGCCTGAAGGACTGGGAGAAGAGGCTC[A>G]TCATCTCTGACAGAGCCCACCTTGGTACGTTTCCCACTGGAGTACAGGGAACAGCCCCTC-3'
Protein context (NP_689541.1, residues 119-139): KGLKDWEKRL[Ile129Val]ISDRAHLVFD